The following is an entry in ClinVar:

NM_014000.3(VCL):c.1642G>C (p.Val548Leu)

Gene: VCL (vinculin; plus strand). Cytogenetic location: 10q22.2.
Variant type: single nucleotide variant.
Coding change: c.1642G>C on transcript NM_014000.3 (MANE Select); coding-DNA position 1642, G replaced by C.
Protein change: p.Val548Leu; replaces valine 548 with leucine.
Molecular consequence: missense variant.
Genome position (GRCh38, 1-based): chr10:74,095,754, G>C. VCF-style: chr10-74095754-G-C. GRCh37 (hg19) VCF-style: chr10-75855512-G-C.
Other names: c.1642G>C, p.Val548Leu (NM_003373.4); short protein forms V548L.
Identifiers: ClinVar variation 4198547 (VCV004198547.3).

ClinVar aggregate classification (germline): Uncertain significance. Review status: criteria provided, multiple submitters, no conflicts (2 of 4 stars). 3 submissions from 3 submitters: Uncertain significance (3). Last evaluated 2025-12-08.

Conditions:
Dilated cardiomyopathy 1W (CMD1W). Identifiers: Orphanet 154, MedGen C1969639, MONDO:0012667, OMIM 611407.
Cardiovascular phenotype. Identifiers: MedGen CN230736.

gnomAD v4.1: 22 of 1,614,258 alleles (0.0014%); highest among the groups gnomAD compares: Non-Finnish European, 0.0016%; no homozygotes.

Submissions (3):

Labcorp Genetics (formerly Invitae), Labcorp
Classification: Uncertain significance for Dilated cardiomyopathy 1W. Last evaluated: 2025-12-08. Review status: criteria provided, single submitter. Criteria: Invitae Variant Classification Sherloc (09022015). Collection method: clinical testing. Allele origin: germline.
Comment: This sequence change replaces valine, which is neutral and non-polar, with leucine, which is neutral and non-polar, at codon 548 of the VCL protein (p.Val548Leu). This variant is present in population databases (no rsID available, gnomAD 0.0009%). This variant has not been reported in the literature in individuals affected with VCL-related conditions. ClinVar contains an entry for this variant (Variation ID: 4198547). An algorithm developed to predict the effect of missense changes on protein structure and function (PolyPhen-2) suggests that this variant is likely to be tolerated. In summary, the available evidence is currently insufficient to determine the role of this variant in disease. Therefore, it has been classified as a Variant of Uncertain Significance.

Ambry Genetics
Classification: Uncertain significance for Cardiovascular phenotype. Last evaluated: 2025-07-23. Review status: criteria provided, single submitter. Criteria: Ambry Variant Classification Scheme 2023. Collection method: clinical testing. Allele origin: germline.
Comment: The p.V548L variant (also known as c.1642G>C), located in coding exon 12 of the VCL gene, results from a G to C substitution at nucleotide position 1642. The valine at codon 548 is replaced by leucine, an amino acid with highly similar properties. This variant was reported in individual(s) with features consistent with dilated cardiomyopathy (van Lint FHM et al. Neth Heart J, 2019 Jun;27:304-309). This amino acid position is highly conserved in available vertebrate species. In addition, the in silico prediction for this alteration is inconclusive. Based on the available evidence, the clinical significance of this variant remains unclear.

GeneDx
Classification: Uncertain significance. Last evaluated: 2025-04-22. Review status: criteria provided, single submitter. Criteria: GeneDx Variant Classification Process June 2021. Collection method: clinical testing. Allele origin: germline. Affected: yes.
Comment: Not observed at significant frequency in large population cohorts (gnomAD); In silico analysis indicates that this missense variant does not alter protein structure/function; Has not been previously published as pathogenic or benign to our knowledge

Literature cited by the submitters: PubMed 30847666 (cited by Ambry Genetics).